The following is an entry in ClinVar:

ClinVar aggregate classification (germline): Uncertain significance (1 of 4 stars; one submission).

Conditions:
Fetal akinesia deformation sequence 1 (FADS1). Also called: Fetal akinesia sequence; Pena-Shokeir syndrome type I. Identifiers: Orphanet 994, MedGen C1276035, MONDO:0100101, OMIM 208150, HP:0001989.
Congenital myasthenic syndrome 10. Also called: Myasthenia, limb-girdle, familial. Identifiers: Orphanet 590, MedGen C1850792, MONDO:0009690, OMIM 254300.

gnomAD v4.1: 1 of 1,573,504 alleles (0.000064%); highest among the groups gnomAD compares: Admixed American, 0.0018%; no homozygotes.

Submission:

Labcorp Genetics (formerly Invitae), Labcorp
Classification: Uncertain significance for Congenital myasthenic syndrome 10; Fetal akinesia deformation sequence 1. Last evaluated: 2022-05-04. Review status: criteria provided, single submitter. Criteria: Invitae Variant Classification Sherloc (09022015). Collection method: clinical testing. Allele origin: germline.
Comment: In summary, the available evidence is currently insufficient to determine the role of this variant in disease. Therefore, it has been classified as a Variant of Uncertain Significance. Algorithms developed to predict the effect of missense changes on protein structure and function are either unavailable or do not agree on the potential impact of this missense change (SIFT: "Deleterious"; PolyPhen-2: "Probably Damaging"; Align-GVGD: "Class C0"). This variant has not been reported in the literature in individuals affected with DOK7-related conditions. The frequency data for this variant in the population databases is considered unreliable, as metrics indicate poor data quality at this position in the gnomAD database. This sequence change replaces alanine, which is neutral and non-polar, with proline, which is neutral and non-polar, at codon 356 of the DOK7 protein (p.Ala356Pro).

NM_173660.5(DOK7):c.1066G>C (p.Ala356Pro)

Gene: DOK7 (docking protein 7; plus strand). Cytogenetic location: 4p16.3.
Variant type: single nucleotide variant.
Coding change: c.1066G>C on transcript NM_173660.5 (MANE Select); coding-DNA position 1066, G replaced by C.
Protein change: p.Ala356Pro; replaces alanine 356 with proline.
Molecular consequence: missense variant. On other transcripts: 3 prime UTR variant (1).
Genome position (GRCh38, 1-based): chr4:3,493,052, G>C. VCF-style: chr4-3493052-G-C. GRCh37 (hg19) VCF-style: chr4-3494779-G-C.
Other names: c.*287G>C (NM_001164673.2); c.136G>C, p.Ala46Pro (NM_001256896.2); c.1066G>C, p.Ala356Pro (NM_001301071.2); c.634G>C, p.Ala212Pro (NM_001363811.2); short protein forms A46P, A212P, A356P.
Identifiers: ClinVar variation 2133703 (VCV002133703.4), dbSNP rs774459683, ClinGen allele CA356117291.
Genomic context (GRCh38, chr4:3,493,052, plus strand): 5'-TCGGACAGCGGCATCGCCACTGGCAGCCACTCCTCTTACTCCAGCAGCCTCTCGTCCTAC[G>C]CGGGCAGCAGCCTGGACGTGTGGCGGGCCACAGATGAACTGGGCTCACTGCTCAGCCTGC-3'
Protein context (NP_775931.3, residues 346-366): SSYSSSLSSY[Ala356Pro]GSSLDVWRAT